The following is an entry in ClinVar:

ClinVar aggregate classification (germline): Uncertain significance (1 of 4 stars; one submission).

gnomAD v4.1: 3 of 1,614,020 alleles (0.00019%); highest among the groups gnomAD compares: Admixed American, 0.005%; no homozygotes.

Submission:

Labcorp Genetics (formerly Invitae), Labcorp
Classification: Uncertain significance. Last evaluated: 2025-11-24. Review status: criteria provided, single submitter. Criteria: Invitae Variant Classification Sherloc (09022015). Collection method: clinical testing. Allele origin: germline.
Comment: This sequence change replaces valine, which is neutral and non-polar, with isoleucine, which is neutral and non-polar, at codon 588 of the TCIRG1 protein (p.Val588Ile). This variant is present in population databases (rs750507912, gnomAD 0.009%). This variant has not been reported in the literature in individuals affected with TCIRG1-related conditions. An algorithm developed to predict the effect of missense changes on protein structure and function outputs the following: PolyPhen-2: "Benign". The isoleucine amino acid residue is found in multiple mammalian species, which suggests that this missense change does not adversely affect protein function. In summary, the available evidence is currently insufficient to determine the role of this variant in disease. Therefore, it has been classified as a Variant of Uncertain Significance.

NM_006019.4(TCIRG1):c.1762G>A (p.Val588Ile)

Gene: TCIRG1 (T cell immune regulator 1, ATPase H+ transporting V0 subunit a3; plus strand). Cytogenetic location: 11q13.2.
Variant type: single nucleotide variant.
Coding change: c.1762G>A on transcript NM_006019.4 (MANE Select); coding-DNA position 1762, G replaced by A.
Protein change: p.Val588Ile; replaces valine 588 with isoleucine.
Molecular consequence: missense variant.
Genome position (GRCh38, 1-based): chr11:68,049,169, G>A. VCF-style: chr11-68049169-G-A. GRCh37 (hg19) VCF-style: chr11-67816636-G-A.
Other names: c.868G>A, p.Val290Ile (NM_001351059.2); c.1762G>A, p.Val588Ile (NM_001440552.1, NM_001440553.1, NM_001440554.1 and 2 more transcripts); c.1720G>A, p.Val574Ile (NM_001440555.1, NM_001440556.1, NM_001440563.1); c.1549G>A, p.Val517Ile (NM_001440559.1, NM_001440560.1, NM_001440561.1 and 2 more transcripts); c.1507G>A, p.Val503Ile (NM_001440564.1); c.1462G>A, p.Val488Ile (NM_001440565.1); c.1300G>A, p.Val434Ile (NM_001440567.1); c.1294G>A, p.Val432Ile (NM_001440568.1); and 2 more; short protein forms V268I, V432I, V517I, V290I, V434I, V574I, V372I, V488I.
Identifiers: ClinVar variation 4765466 (VCV004765466.1).